The following is an entry in ClinVar:

NM_001018005.2(TPM1):c.291A>C (p.Glu97Asp)

Gene: TPM1 (tropomyosin 1; plus strand). Cytogenetic location: 15q22.2.
Variant type: single nucleotide variant.
Coding change: c.291A>C on transcript NM_001018005.2 (MANE Select); coding-DNA position 291, A replaced by C.
Protein change: p.Glu97Asp; replaces glutamic acid 97 with aspartic acid.
Molecular consequence: missense variant. On other transcripts: non-coding transcript variant (17).
Genome position (GRCh38, 1-based): chr15:63,057,035, A>C. VCF-style: chr15-63057035-A-C. GRCh37 (hg19) VCF-style: chr15-63349234-A-C.
Other names: c.291A>C, p.Glu97Asp (NM_000366.6, NM_001018004.2, NM_001018006.2 and 20 more transcripts); c.183A>C, p.Glu61Asp (NM_001018008.2, NM_001301289.2, NM_001330344.2 and 9 more transcripts); c.417A>C, p.Glu139Asp (NM_001365778.1, NM_001407322.1, NM_001407323.1 and 1 more transcripts); short protein forms E139D, E61D, E97D.
Identifiers: ClinVar variation 3232359 (VCV003232359.2), dbSNP rs1596360976, ClinGen allele CA392720840.

ClinVar aggregate classification (germline): Conflicting classifications of pathogenicity. Review status: criteria provided, conflicting classifications (1 of 4 stars). 2 submissions from 2 submitters: Likely pathogenic (1); Uncertain significance (1). Last evaluated 2024-07-26.

Conditions:
Dilated cardiomyopathy 1Y (CMD1Y). Identifiers: Orphanet 154, Orphanet 54260, MedGen C2678476, MONDO:0012744, OMIM 611878.
Cardiovascular phenotype. Identifiers: MedGen CN230736.

Submissions (2):

Human Genetics Bochum, Ruhr University Bochum
Classification: Likely pathogenic for Dilated cardiomyopathy 1Y. Last evaluated: 2024-07-26. Review status: criteria provided, single submitter. Criteria: ACMG Guidelines, 2015. Collection method: clinical testing. Allele origin: germline. Affected: yes.
Comment: ACMG criteria used to clasify this variant: PM1, PM2_SUP, PM5_SUP, PP2, PP3

Ambry Genetics
Classification: Uncertain significance for Cardiovascular phenotype. Last evaluated: 2023-03-03. Review status: criteria provided, single submitter. Criteria: Ambry Variant Classification Scheme 2023. Collection method: clinical testing. Allele origin: germline.
Comment: The p.E97D variant (also known as c.291A>C), located in coding exon 3 of the TPM1 gene, results from an A to C substitution at nucleotide position 291. The glutamic acid at codon 97 is replaced by aspartic acid, an amino acid with highly similar properties. This amino acid position is highly conserved in available vertebrate species. In addition, the in silico prediction for this alteration is inconclusive. Since supporting evidence is limited at this time, the clinical significance of this alteration remains unclear.